The following is an entry in ClinVar:

NM_001130965.3(SUN1):c.819G>T (p.Leu273Phe)

Gene: SUN1 (Sad1 and UNC84 domain containing 1; plus strand). Cytogenetic location: 7p22.3.
Variant type: single nucleotide variant.
Coding change: c.819G>T on transcript NM_001130965.3 (MANE Select); coding-DNA position 819, G replaced by T.
Protein change: p.Leu273Phe; replaces leucine 273 with phenylalanine.
Molecular consequence: missense variant. On other transcripts: non-coding transcript variant (3).
Genome position (GRCh38, 1-based): chr7:852,011, G>T. VCF-style: chr7-852011-G-T. GRCh37 (hg19) VCF-style: chr7-891648-G-T.
Other names: c.819G>T, p.Leu273Phe (NM_001367665.1, NM_001367672.1, NM_001367633.1 and 3 more transcripts); c.1062G>T, p.Leu354Phe (NM_001367666.1, NM_001367691.1, NM_001367636.1 and 1 more transcripts); c.780G>T, p.Leu260Phe (NM_001367667.1, NM_001367689.1, NM_001367645.1 and 1 more transcripts); c.864G>T, p.Leu288Phe (NM_001367668.1, NM_001367647.1, NM_001367649.1); c.846G>T, p.Leu282Phe (NM_001367669.1); c.669G>T, p.Leu223Phe (NM_001367670.1, NM_001367671.1, NM_001367660.1 and 1 more transcripts); c.951G>T, p.Leu317Phe (NM_001367673.1, NM_001367646.1, NM_001367706.1); c.1017G>T, p.Leu339Phe (NM_001367674.1); and 24 more; short protein forms L121F, L156F, L354F, L371F, L404F, D57Y, L227F, L268F.
Identifiers: ClinVar variation 1367003 (VCV001367003.8), dbSNP rs2128387711, ClinGen allele CA366529270.
Genomic context (GRCh38, chr7:852,011, plus strand): 5'-GAAGGCAGCCTCTGGAGTGTTCTGGTGGCTGGGGATTGGATGGTACCAGTTTGTTACTTT[G>T]ATTTCTTGGCTGAATGTGTTTCTTCTTACCAGGTAAGGAAATGGATATCATGTCAGCGTG-3'
Protein context (NP_001124437.1, residues 263-283): LGIGWYQFVT[Leu273Phe]ISWLNVFLLT

ClinVar aggregate classification (germline): Uncertain significance (1 of 4 stars; one submission).

Conditions:
Emery-Dreifuss muscular dystrophy (EDMD). Also called: Scapuloperoneal syndrome, X-linked (formerly); Humeroperoneal neuromuscular disease, (formerly). Identifiers: Orphanet 261, MedGen C0410189, MONDO:0016830.

Allele frequency attached by ClinVar (database versions not stated): gnomAD exomes below 0.00001.
gnomAD v4.1: 1 of 1,614,096 alleles (0.000062%); highest among the groups gnomAD compares: South Asian, 0.0011%; no homozygotes.

Submission:

Labcorp Genetics (formerly Invitae), Labcorp
Classification: Uncertain significance for Emery-Dreifuss muscular dystrophy. Last evaluated: 2021-07-13. Review status: criteria provided, single submitter. Criteria: Invitae Variant Classification Sherloc (09022015). Collection method: clinical testing. Allele origin: germline.
Comment: This variant has not been reported in the literature in individuals affected with SUN1-related conditions. This sequence change replaces leucine with phenylalanine at codon 273 of the SUN1 protein (p.Leu273Phe). The leucine residue is highly conserved and there is a small physicochemical difference between leucine and phenylalanine. This variant is not present in population databases (ExAC no frequency). Algorithms developed to predict the effect of missense changes on protein structure and function are either unavailable or do not agree on the potential impact of this missense change (SIFT: "Tolerated"; PolyPhen-2: "Probably Damaging"; Align-GVGD: "Class C0"). In summary, the available evidence is currently insufficient to determine the role of this variant in disease. Therefore, it has been classified as a Variant of Uncertain Significance.